The following is an entry in ClinVar:

NM_052876.4(NACC1):c.476C>T (p.Pro159Leu)

Gene: NACC1 (nucleus accumbens associated 1; plus strand). Cytogenetic location: 19p13.13.
Variant type: single nucleotide variant.
Coding change: c.476C>T on transcript NM_052876.4 (MANE Select); coding-DNA position 476, C replaced by T.
Protein change: p.Pro159Leu; replaces proline 159 with leucine.
Molecular consequence: missense variant.
Genome position (GRCh38, 1-based): chr19:13,135,683, C>T. VCF-style: chr19-13135683-C-T. GRCh37 (hg19) VCF-style: chr19-13246497-C-T.
Other names: short protein forms P159L.
Identifiers: ClinVar variation 1359243 (VCV001359243.8), dbSNP rs752352154, ClinGen allele CA404325457.

ClinVar aggregate classification (germline): Uncertain significance. Review status: criteria provided, multiple submitters, no conflicts (2 of 4 stars). 3 submissions from 3 submitters: Uncertain significance (3). Last evaluated 2024-10-11.

Conditions:
Neurodevelopmental disorder with epilepsy, cataracts, feeding difficulties, and delayed brain myelination (NECFM). Identifiers: Orphanet 500545, MedGen C4479333, MONDO:0044306, OMIM 617393.

Allele frequency attached by ClinVar (database versions not stated): gnomAD exomes 0.00001; TOPMed 0.00001; gnomAD 0.00002.
gnomAD v4.1: 21 of 1,553,880 alleles (0.0014%); highest among the groups gnomAD compares: Non-Finnish European, 0.0016%; no homozygotes.

Submissions (3):

Blueprint Genetics
Classification: Uncertain significance. Last evaluated: 2024-10-11. Review status: criteria provided, single submitter. Criteria: ACMG Guidelines, 2015. Collection method: clinical testing. Allele origin: germline.

Labcorp Genetics (formerly Invitae), Labcorp
Classification: Uncertain significance. Last evaluated: 2024-03-27. Review status: criteria provided, single submitter. Criteria: Invitae Variant Classification Sherloc (09022015). Collection method: clinical testing. Allele origin: germline.
Comment: This sequence change replaces proline, which is neutral and non-polar, with leucine, which is neutral and non-polar, at codon 159 of the NACC1 protein (p.Pro159Leu). This variant is not present in population databases (gnomAD no frequency). This variant has not been reported in the literature in individuals affected with NACC1-related conditions. ClinVar contains an entry for this variant (Variation ID: 1359243). Advanced modeling of protein sequence and biophysical properties (such as structural, functional, and spatial information, amino acid conservation, physicochemical variation, residue mobility, and thermodynamic stability) performed at Invitae indicates that this missense variant is not expected to disrupt NACC1 protein function with a negative predictive value of 80%. In summary, the available evidence is currently insufficient to determine the role of this variant in disease. Therefore, it has been classified as a Variant of Uncertain Significance.

Neuberg Centre For Genomic Medicine, NCGM
Classification: Uncertain significance for Neurodevelopmental disorder with epilepsy, cataracts, feeding difficulties, and delayed brain myelination. Review status: criteria provided, single submitter. Criteria: ACMG Guidelines, 2015. Collection method: clinical testing. Allele origin: germline. Affected: yes.
Comment: The missense variant p.P159L in NACC1 (NM_052876.3) has not been reported previously as a pathogenic variant nor as a benign variant, to our knowledge. There is a moderate physicochemical difference between proline and leucine. In silico tools predict the variant to be tolerated and the residue is conserved across species. The gene has a low rate of benign missense variants. For these reasons, this variant has been classified as Uncertain Significance